The following is an entry in ClinVar:

NM_001035.3(RYR2):c.2930A>G (p.Lys977Arg)

Gene: RYR2 (ryanodine receptor 2; plus strand). Cytogenetic location: 1q43.
Variant type: single nucleotide variant.
Coding change: c.2930A>G on transcript NM_001035.3 (MANE Select); coding-DNA position 2930, A replaced by G.
Protein change: p.Lys977Arg; replaces lysine 977 with arginine.
Molecular consequence: missense variant.
Genome position (GRCh38, 1-based): chr1:237,548,454, A>G. VCF-style: chr1-237548454-A-G. GRCh37 (hg19) VCF-style: chr1-237711754-A-G.
Other names: short protein forms K977R.
Identifiers: ClinVar variation 2886402 (VCV002886402.4), dbSNP rs1670046069, ClinGen allele CA345393469.

ClinVar aggregate classification (germline): Uncertain significance. Review status: criteria provided, multiple submitters, no conflicts (2 of 4 stars). 2 submissions from 2 submitters: Uncertain significance (2). Last evaluated 2024-05-07.

Conditions:
Cardiomyopathy (CMYO). Also called: Cardiomyopathies. Identifiers: Orphanet 167848, MedGen C0878544, MONDO:0004994, HP:0001638. Inheritance: Various modes of inheritance.
Catecholaminergic polymorphic ventricular tachycardia 1. Also called: RYR2-Related Catecholaminergic Polymorphic Ventricular Tachycardia; VENTRICULAR TACHYCARDIA, CATECHOLAMINERGIC POLYMORPHIC, 1, WITH OR WITHOUT ATRIAL DYSFUNCTION AND/OR DILATED CARDIOMYOPATHY; VENTRICULAR TACHYCARDIA, STRESS-INDUCED POLYMORPHIC 1. Identifiers: Orphanet 3286, MedGen C1631597, MONDO:0011484, OMIM 604772.

Submissions (2):

Labcorp Genetics (formerly Invitae), Labcorp
Classification: Uncertain significance for Catecholaminergic polymorphic ventricular tachycardia 1. Last evaluated: 2024-05-07. Review status: criteria provided, single submitter. Criteria: Invitae Variant Classification Sherloc (09022015). Collection method: clinical testing. Allele origin: germline.
Comment: This sequence change replaces lysine, which is basic and polar, with arginine, which is basic and polar, at codon 977 of the RYR2 protein (p.Lys977Arg). This variant is not present in population databases (gnomAD no frequency). This variant has not been reported in the literature in individuals affected with RYR2-related conditions. Advanced modeling of protein sequence and biophysical properties (such as structural, functional, and spatial information, amino acid conservation, physicochemical variation, residue mobility, and thermodynamic stability) performed at Invitae indicates that this missense variant is not expected to disrupt RYR2 protein function with a negative predictive value of 95%. In summary, the available evidence is currently insufficient to determine the role of this variant in disease. Therefore, it has been classified as a Variant of Uncertain Significance.

Color Diagnostics, LLC DBA Color Health
Classification: Uncertain significance for Cardiomyopathy. Last evaluated: 2023-05-10. Review status: criteria provided, single submitter. Criteria: ACMG Guidelines, 2015. Collection method: clinical testing. Allele origin: germline.
Comment: This missense variant replaces lysine with arginine at codon 977 of the RYR2 protein. Computational prediction is inconclusive regarding the impact of this variant on protein structure and function (internally defined REVEL score threshold 0.5 < inconclusive < 0.7, PMID: 27666373). To our knowledge, functional studies have not been reported for this variant. This variant has not been reported in individuals affected with RYR2-related disorders in the literature. This variant has not been identified in the general population by the Genome Aggregation Database (gnomAD). The available evidence is insufficient to determine the role of this variant in disease conclusively. Therefore, this variant is classified as a Variant of Uncertain Significance.